The following is an entry in ClinVar:

ClinVar aggregate classification (germline): Benign (3 of 4 stars; one submission).

Conditions:
Breast-ovarian cancer, familial, susceptibility to, 1 (BROVCA1). Also called: BRCA1 Hereditary Breast and Ovarian Cancer; OVARIAN CANCER, SUSCEPTIBILITY TO. Identifiers: Orphanet 145, MedGen C2676676, MONDO:0011450, OMIM 604370. Disease mechanism: loss of function.

Allele frequency attached by ClinVar (database versions not stated): 1000 Genomes Project 30x 0.00219; 1000 Genomes Project 0.00240; gnomAD 0.00245 and 0.00266; TOPMed 0.00264.
gnomAD v4.1: 368 of 152,306 alleles (0.24%); highest among the groups gnomAD compares: African/African-American, 0.85%; 2 homozygotes.

Submission:

Evidence-based Network for the Interpretation of Germline Mutant Alleles (ENIGMA)
Classification: Benign for Breast-ovarian cancer, familial 1. Last evaluated: 2015-01-12. Review status: reviewed by expert panel. Criteria: ENIGMA BRCA1/2 Classification Criteria (2015). Collection method: curation. Allele origin: germline.
Comment: Class 1 not pathogenic based on frequency >1% in an outbred sampleset. Frequency 0.01626 (African), derived from 1000 genomes (2012-04-30).

NM_007294.4(BRCA1):c.4357+2045G>T

Gene: BRCA1 (BRCA1 DNA repair associated; minus strand). Cytogenetic location: 17q21.31.
Variant type: single nucleotide variant.
Coding change: c.4357+2045G>T on transcript NM_007294.4 (MANE Select); 2045 bases into the intron after coding-DNA position 4357, G replaced by T.
Molecular consequence: intron variant.
Genome position (GRCh38, 1-based): chr17:43,080,359, C>A on the plus strand (G>T on the coding strand, the complement: BRCA1 is on the minus strand). VCF-style: chr17-43080359-C-A. GRCh37 (hg19) VCF-style: chr17-41232376-C-A.
Other names: IVS 13+2045G>T; c.907+2045G>T (NM_001408458.1, NM_001408453.1, NM_001408461.1 and 7 more transcripts); c.3469+2045G>T (NM_001407967.1, NM_001407966.1); c.3976+2045G>T (NM_001407959.1, NM_001407960.1); c.4090+2045G>T (NM_001407931.1, NM_001407932.1, NM_001407935.1 and 3 more transcripts); c.4213+2045G>T (NM_001407747.1, NM_001407839.1, NM_001407745.1 and 23 more transcripts); c.3973+2045G>T (NM_001407962.1, NM_001407963.1); c.544+2045G>T (NM_001408512.1); and 61 more.
Identifiers: ClinVar variation 209403 (VCV000209403.2), dbSNP rs143578208, ClinGen allele CA276375.
Genomic context (GRCh38, chr17:43,080,359, plus strand): 5'-TAGGCCAGGCACCGTAGCTCCCAAGTAGGTGGGATTACAGGCATGTGCCACCACGCCCGG[C>A]TAATTTTTTGTAGTTTTAGTAGAGATGTGGTTTCTCCATGTTGGTCAGGCTGGTCTCGAG-3'